The following is an entry in ClinVar:

NM_016188.5(ACTL6B):c.230A>G (p.Asp77Gly)

Gene: ACTL6B (actin like 6B; minus strand). Cytogenetic location: 7q22.1.
Variant type: single nucleotide variant.
Coding change: c.230A>G on transcript NM_016188.5 (MANE Select); coding-DNA position 230, A replaced by G.
Protein change: p.Asp77Gly; replaces aspartic acid 77 with glycine.
Molecular consequence: missense variant. On other transcripts: non-coding transcript variant (1).
Genome position (GRCh38, 1-based): chr7:100,655,459, T>C on the plus strand (A>G on the coding strand, the complement: ACTL6B is on the minus strand). VCF-style: chr7-100655459-T-C. GRCh37 (hg19) VCF-style: chr7-100253082-T-C.
Other names: short protein forms D77G.
Identifiers: ClinVar variation 635107 (VCV000635107.4), dbSNP rs1562851259, ClinGen allele CA368549134.

ClinVar aggregate classification (germline): Uncertain significance. Review status: criteria provided, single submitter (1 of 4 stars). 3 submissions from 3 submitters: Uncertain significance (1). 2 of the submissions do not count toward it. Last evaluated 2019-07-28.

Conditions:
Autism (AUTS). Also called: Autistic disorder of childhood onset; Autistic disorder. Identifiers: MedGen C0004352, MeSH D001321, MONDO:0005260, OMIM 209850, HP:0000717.
ACTL6B-related dominant intellectual disability.
Intellectual developmental disorder with severe speech and ambulation defects. Identifiers: MedGen C5193115, MONDO:0032770, OMIM 618470.

Submissions (3):

SIB Swiss Institute of Bioinformatics
Classification: Uncertain significance for Intellectual developmental disorder with severe speech and ambulation defects. Last evaluated: 2019-07-28. Review status: criteria provided, single submitter. Criteria: ACMG Guidelines, 2015. Collection method: curation. Allele origin: unknown.
Comment: This variant is interpreted as a variant of uncertain significance for Intellectual developmental disorder with severe speech and ambulation defects, autosomal dominant. The following ACMG Tag(s) were applied: PM2, PM6.

OMIM
Classification: Pathogenic for INTELLECTUAL DEVELOPMENTAL DISORDER WITH SEVERE SPEECH AND AMBULATION DEFECTS. Last evaluated: 2019-06-19. Review status: no assertion criteria provided. Collection method: literature only. Allele origin: germline. Not counted in ClinVar's aggregate classification.

CHU Sainte-Justine Research Center, University of Montreal
Classification: Likely pathogenic for ACTL6B-related dominant intellectual disability; Autism. Last evaluated: 2019-03-01. Review status: no assertion criteria provided. Collection method: research. Allele origin: germline. Affected: yes. Not counted in ClinVar's aggregate classification.

Literature cited by the submitters: PubMed 31031012 (cited by SIB Swiss Institute of Bioinformatics and OMIM).